The following is an entry in ClinVar:

NM_024301.5(FKRP):c.-272G>A

Genes: STRN4 (striatin 4; minus strand), FKRP (fukutin related protein; plus strand), LOC130064775 (ATAC-STARR-seq lymphoblastoid silent region 10825; plus strand). Cytogenetic location: 19q13.32.
Variant type: single nucleotide variant.
Coding change: c.-272G>A on transcript NM_024301.5 (MANE Select); 272 bases upstream of the start codon, G replaced by A.
Molecular consequence: 5 prime UTR variant. On other transcripts: intron variant (2).
Genome position (GRCh38, 1-based): chr19:46,746,071, G>A. VCF-style: chr19-46746071-G-A. GRCh37 (hg19) VCF-style: chr19-47249328-G-A.
Other names: c.-324G>A (NM_001039885.3); c.282+78C>T (NM_013403.3, NM_001039877.2).
Identifiers: ClinVar variation 522865 (VCV000522865.4), dbSNP rs1555735545, ClinGen allele CA658799254.

ClinVar aggregate classification (germline): Conflicting classifications of pathogenicity. Review status: criteria provided, conflicting classifications (1 of 4 stars). 2 submissions from 2 submitters: Pathogenic (1); Uncertain significance (1). Last evaluated 2024-08-01.

Conditions:
Autosomal recessive limb-girdle muscular dystrophy type 2I. Also called: MUSCULAR DYSTROPHY, LIMB-GIRDLE, TYPE 2I; MUSCULAR DYSTROPHY-DYSTROGLYCANOPATHY (LIMB-GIRDLE), TYPE C, 5; MUSCULAR DYSTROPHY-DYSTROGLYCANOPATHY, LIMB-GIRDLE, FRKP-RELATED. Identifiers: Orphanet 34515, MedGen C1846672, MONDO:0011787, OMIM 607155.

Submissions (2):

Mayo Clinic Laboratories, Mayo Clinic
Classification: Uncertain significance. Last evaluated: 2024-08-01. Review status: criteria provided, single submitter. Criteria: ACMG Guidelines, 2015. Collection method: clinical testing. Allele origin: germline. Observed: 1 variant allele.
Comment: PM2, PM3

Undiagnosed Diseases Network, NIH
Classification: Pathogenic for Autosomal recessive limb-girdle muscular dystrophy type 2I. Last evaluated: 2017-01-11. Review status: criteria provided, single submitter. Criteria: ACMG Guidelines, 2015. Collection method: clinical testing. Allele origin: maternal. Inheritance: Autosomal recessive inheritance. Affected: yes. Observed: 2 variant alleles, 2 compound heterozygotes. Clinical features observed: Vertigo (HP:0002321), Tinnitus (HP:0000360), Scoliosis (HP:0002650), Rhabdomyolysis (HP:0003201), Postural hypotension with compensatory tachycardia (HP:0005307), Paresthesia (HP:0003401), Palpitations (HP:0001962), Pain (HP:0012531), Myopia (HP:0000545), Memory impairment (HP:0002354), Joint hypermobility (HP:0001382), Hyperextensible skin of face (HP:0007425), and 9 more.

Literature cited by the submitters: PubMed 32190976 (cited by Mayo Clinic Laboratories, Mayo Clinic); PubMed 36543139 (cited by Mayo Clinic Laboratories, Mayo Clinic); PubMed 36651276 (cited by Mayo Clinic Laboratories, Mayo Clinic).